The following is an entry in ClinVar:

NC_000023.11:g.(?_31627673)_(31658144_?)del

Gene: DMD (dystrophin; minus strand). Cytogenetic location: Xp21.1.
Variant type: Deletion.
Identifiers: ClinVar variation 417492 (VCV000417492.1).

ClinVar aggregate classification (germline): Likely pathogenic (1 of 4 stars; one submission).

Conditions:
Duchenne muscular dystrophy (DMD). Also called: MUSCULAR DYSTROPHY, PSEUDOHYPERTROPHIC PROGRESSIVE, DUCHENNE TYPE; Duchenne Muscular Dystrophy (DMD). Identifiers: Orphanet 98896, MedGen C0013264, MONDO:0010679, OMIM 310200.

Submission:

Labcorp Genetics (formerly Invitae), Labcorp
Classification: Likely pathogenic for Duchenne muscular dystrophy. Last evaluated: 2016-09-23. Review status: criteria provided, single submitter. Criteria: Invitae Variant Classification Sherloc (09022015). Collection method: clinical testing. Allele origin: germline.
Comment: This variant is a gross deletion of the genomic region encompassing exons 54-55 of the DMD gene. This leads to an in-frame deletion, preserving the integrity of the reading frame. This variant has not been reported in the literature in individuals with a DMD-related disease, but it has been reported in one affected individual in the Leiden Open-source Variation Database (PMID: 21520333). In addition, similar in-frame deletions in the same region have been reported in individuals with DMD-related muscular dystrophy (PMID: 9628192, 19937601, 19367636). For these reasons, this variant has been classified as Likely Pathogenic.